The following is an entry in ClinVar:

NM_000155.4(GALT):c.31C>G (p.Arg11Gly)

Gene: GALT (galactose-1-phosphate uridylyltransferase; plus strand). Cytogenetic location: 9p13.3.
Variant type: single nucleotide variant.
Coding change: c.31C>G on transcript NM_000155.4 (MANE Select); coding-DNA position 31, C replaced by G.
Protein change: p.Arg11Gly; replaces arginine 11 with glycine.
Molecular consequence: missense variant. On other transcripts: 5 prime UTR variant (1).
Genome position (GRCh38, 1-based): chr9:34,646,735, C>G. VCF-style: chr9-34646735-C-G. GRCh37 (hg19) VCF-style: chr9-34646732-C-G.
Other names: c.-172C>G (NM_001258332.2); short protein forms R11G.
Identifiers: ClinVar variation 2127722 (VCV002127722.4), dbSNP rs1172080423, ClinGen allele CA373278251.
Genomic context (GRCh38, chr9:34,646,735, plus strand): 5'-AGATTTTCCAGCGGATCCCCCGGTGGCCTCATGTCGCGCAGTGGAACCGATCCTCAGCAA[C>G]GCCAGCAGGCGTCAGAGGCGGACGCCGCAGCAGCAACCTTCCGGGCAAACGGTAACTGCA-3'
Protein context (NP_000146.2, residues 1-21): MSRSGTDPQQ[Arg11Gly]QQASEADAAA

ClinVar aggregate classification (germline): Uncertain significance (1 of 4 stars; one submission).

Conditions:
Deficiency of UDPglucose-hexose-1-phosphate uridylyltransferase. Also called: GALT deficiency; Galactosemia, classic; Transferase Deficiency Galactosemia; GALACTOSEMIA I; GALACTOSE-1-PHOSPHATE URIDYLYLTRANSFERASE DEFICIENCY. Identifiers: Orphanet 352, Orphanet 79239, MedGen C0268151, MONDO:0009258, OMIM 230400.

Submission:

Labcorp Genetics (formerly Invitae), Labcorp
Classification: Uncertain significance for Deficiency of UDPglucose-hexose-1-phosphate uridylyltransferase. Last evaluated: 2025-05-19. Review status: criteria provided, single submitter. Criteria: Invitae Variant Classification Sherloc (09022015). Collection method: clinical testing. Allele origin: germline.
Comment: This sequence change replaces arginine, which is basic and polar, with glycine, which is neutral and non-polar, at codon 11 of the GALT protein (p.Arg11Gly). This variant is not present in population databases (gnomAD no frequency). This variant has not been reported in the literature in individuals affected with GALT-related conditions. ClinVar contains an entry for this variant (Variation ID: 2127722). Invitae Evidence Modeling of protein sequence and biophysical properties (such as structural, functional, and spatial information, amino acid conservation, physicochemical variation, residue mobility, and thermodynamic stability) indicates that this missense variant is expected to disrupt GALT protein function with a positive predictive value of 80%. In summary, the available evidence is currently insufficient to determine the role of this variant in disease. Therefore, it has been classified as a Variant of Uncertain Significance.